The following is an entry in ClinVar:

ClinVar aggregate classification (germline): Benign/Likely benign. Review status: criteria provided, multiple submitters, no conflicts (2 of 4 stars). 6 submissions from 6 submitters: Benign (5); Likely benign (1). Last evaluated 2026-02-04.

Conditions:
Succinate-semialdehyde dehydrogenase deficiency (SSADHD). Also called: GABA METABOLIC DEFECT; SSADH DEFICIENCY; 4-HYDROXYBUTYRIC ACIDURIA; Succinic Semialdehyde Dehydrogenase Deficiency. Identifiers: Orphanet 22, MedGen C0268631, MONDO:0010083, OMIM 271980.

Allele frequency attached by ClinVar (database versions not stated): 1000 Genomes Project 0.19269; 1000 Genomes Project 30x 0.19691; gnomAD exomes 0.22008 and 0.25344; ExAC 0.22413; TOPMed 0.23920; gnomAD 0.24425 and 0.25132; ESP Exome Variant Server 0.26080.
gnomAD v4.1: 406,414 of 1,612,044 alleles (25%); highest among the groups gnomAD compares: Non-Finnish European, 27%; 53,764 homozygotes.

Submissions (6):

Labcorp Genetics (formerly Invitae), Labcorp
Classification: Benign for Succinate-semialdehyde dehydrogenase deficiency. Last evaluated: 2026-02-04. Review status: criteria provided, single submitter. Criteria: Invitae Variant Classification Sherloc (09022015). Collection method: clinical testing. Allele origin: germline.

Blueprint Genetics
Classification: Likely benign. Last evaluated: 2024-11-27. Review status: criteria provided, single submitter. Criteria: ACMG Guidelines, 2015. Collection method: clinical testing. Allele origin: germline.

Unidad de Genómica Garrahan, Hospital de Pediatría Garrahan
Classification: Benign. Last evaluated: 2024-07-15. Review status: criteria provided, single submitter. Criteria: ACMG Guidelines, 2015. Collection method: clinical testing. Allele origin: germline. Affected: no. Observed: 32 variant alleles.
Comment: This variant is classified as Benign based on local population frequency. This variant was detected in 34% of patients studied in a panel designed for Epileptic and Developmental Encephalopathy and Progressive Myoclonus Epilepsy. Number of patients: 32. Only high quality variants are reported.

Mayo Clinic Laboratories, Mayo Clinic
Classification: Benign. Last evaluated: 2022-03-24. Review status: criteria provided, single submitter. Criteria: ACMG Guidelines, 2015. Collection method: clinical testing. Allele origin: germline. Observed: 357 variant alleles.

GeneDx
Classification: Benign. Last evaluated: 2018-07-15. Review status: criteria provided, single submitter. Criteria: GeneDx Variant Classification Process June 2021. Collection method: clinical testing. Allele origin: germline. Affected: yes.

Illumina Laboratory Services, Illumina
Classification: Benign for Succinate-semialdehyde dehydrogenase deficiency. Last evaluated: 2018-01-12. Review status: criteria provided, single submitter. Criteria: ICSL Variant Classification Criteria 13 December 2019. Collection method: clinical testing. Allele origin: germline.
Comment: This variant was observed in the ICSL laboratory as part of a predisposition screen in an ostensibly healthy population. It had not been previously curated by ICSL or reported in the Human Gene Mutation Database (HGMD: prior to June 1st, 2018), and was therefore a candidate for classification through an automated scoring system. Utilizing variant allele frequency, disease prevalence and penetrance estimates, and inheritance mode, an automated score was calculated to assess if this variant is too frequent to cause the disease. Based on the score and internal cut-off values, a variant classified as benign is not then subjected to further curation. The score for this variant resulted in a classification of benign for this disease.

NM_001080.3(ALDH5A1):c.726+8G>A

Gene: ALDH5A1 (aldehyde dehydrogenase 5 family member A1; plus strand). Cytogenetic location: 6p22.3.
Variant type: single nucleotide variant.
Coding change: c.726+8G>A on transcript NM_001080.3 (MANE Select); 8 bases into the intron after coding-DNA position 726, G replaced by A.
Molecular consequence: intron variant.
Genome position (GRCh38, 1-based): chr6:24,504,993, G>A. VCF-style: chr6-24504993-G-A. GRCh37 (hg19) VCF-style: chr6-24505221-G-A.
Other names: p.?; c.726+8G>A (NM_170740.1, NM_001368954.1).
Identifiers: ClinVar variation 356135 (VCV000356135.20), dbSNP rs2817220, ClinGen allele CA3656705.